The following is an entry in ClinVar:

NM_000112.4(SLC26A2):c.1399G>A (p.Val467Ile)

Gene: SLC26A2 (solute carrier family 26 member 2; plus strand). Cytogenetic location: 5q32.
Variant type: single nucleotide variant.
Coding change: c.1399G>A on transcript NM_000112.4 (MANE Select); coding-DNA position 1399, G replaced by A.
Protein change: p.Val467Ile; replaces valine 467 with isoleucine.
Molecular consequence: missense variant.
Genome position (GRCh38, 1-based): chr5:149,980,992, G>A. VCF-style: chr5-149980992-G-A. GRCh37 (hg19) VCF-style: chr5-149360555-G-A.
Other names: short protein forms V467I.
Identifiers: ClinVar variation 3372954 (VCV003372954.1).
Genomic context (GRCh38, chr5:149,980,992, plus strand): 5'-GAATCAACAGGCTGCCATACTCAGCTTTCTGGTGTGGTAACAGCCCTGGTTCTTTTGTTG[G>A]TCCTCCTAGTAATAGCTCCTTTGTTCTATTCCCTTCAAAAAAGTGTCCTTGGTGTGATCA-3'
Protein context (NP_000103.2, residues 457-477): GVVTALVLLL[Val467Ile]LLVIAPLFYS

ClinVar aggregate classification (germline): Uncertain significance (1 of 4 stars; one submission).

gnomAD v4.1: 25 of 1,613,946 alleles (0.0015%); highest among the groups gnomAD compares: Non-Finnish European, 0.0019%; no homozygotes.

Submission:

GeneDx
Classification: Uncertain significance. Last evaluated: 2024-04-22. Review status: criteria provided, single submitter. Criteria: GeneDx Variant Classification Process June 2021. Collection method: clinical testing. Allele origin: germline. Affected: yes.
Comment: Not observed at significant frequency in large population cohorts (gnomAD); In silico analysis indicates that this missense variant does not alter protein structure/function; Has not been previously published as pathogenic or benign to our knowledge